The following is an entry in ClinVar:

ClinVar aggregate classification (germline): Uncertain significance (1 of 4 stars; one submission).

Conditions:
Non-syndromic intellectual disability. Also called: Mental retardation non-syndromic. Identifiers: MedGen CN280315, MONDO:0000509.

Submission:

Molecular Genetics, Royal Melbourne Hospital
Classification: Uncertain significance for Non-syndromic intellectual disability. Last evaluated: 2024-08-05. Review status: criteria provided, single submitter. Criteria: ACMG Guidelines, 2015. Collection method: clinical testing. Allele origin: germline. Inheritance: X-linked dominant inheritance. Affected: yes.
Comment: This sequence change in HUWE1 is predicted to replace serine with glycine at codon 1629, p.(Ser1629Gly). The serine residue is highly conserved (100 vertebrates, Multiz Alignments), and is located in the WWE domain in a region (amino acids 1624-1639) highly intolerant to missense variation. There is a small physicochemical difference between serine and glycine. This variant is absent from the population database gnomAD v4.1. To our knowledge, this variant is novel and has not been previously reported in the relevant scientific literature or databases. Computational evidence is uninfromative for the nucleotide change's impact on splicing (SpliceAI), and predicts a benign effect for the missense substitution (REVEL = 0.16). Based on the classification scheme RMH Modified ACMG/AMP Guidelines v1.7.0, this variant is classified as a VARIANT OF UNCERTAIN SIGNIFICANCE. Following criteria are met: PM1, PM2_Supporting.

NM_031407.7(HUWE1):c.4885A>G (p.Ser1629Gly)

Gene: HUWE1 (HECT, UBA and WWE domain containing E3 ubiquitin protein ligase 1; minus strand). Cytogenetic location: Xp11.22.
Variant type: single nucleotide variant.
Coding change: c.4885A>G on transcript NM_031407.7 (MANE Select); coding-DNA position 4885, A replaced by G.
Protein change: p.Ser1629Gly; replaces serine 1629 with glycine.
Molecular consequence: missense variant.
Genome position (GRCh38, 1-based): chrX:53,585,128, T>C on the plus strand (A>G on the coding strand, the complement: HUWE1 is on the minus strand). VCF-style: chrX-53585128-T-C. GRCh37 (hg19) VCF-style: chrX-53612088-T-C.
Other names: short protein forms S1629G.
Identifiers: ClinVar variation 3773780 (VCV003773780.1).